The following is an entry in ClinVar:

ClinVar aggregate classification (germline): Likely benign. Review status: criteria provided, multiple submitters, no conflicts (2 of 4 stars). 2 submissions from 2 submitters: Likely benign (2). Last evaluated 2024-05-21.

Conditions:
Familial cancer of breast. Also called: BREAST CANCER, FAMILIAL; Hereditary breast cancer; hereditary breast carcinoma. Identifiers: Orphanet 227535, MedGen C0346153, MONDO:0016419, OMIM 114480. Disease mechanism: loss of function.
Ataxia-telangiectasia syndrome (AT). Also called: ATAXIA-TELANGIECTASIA, COMPLEMENTATION GROUP A; ATAXIA-TELANGIECTASIA, FRESNO VARIANT; Ataxia-telangiectasia, complementation group D; LOUIS-BAR SYNDROME; AT, COMPLEMENTATION GROUP C; Ataxia-telangiectasia. Identifiers: Orphanet 100, MedGen C0004135, MONDO:0008840, OMIM 208900.

Submissions (2):

Myriad Genetics, Inc.
Classification: Likely benign for Familial cancer of breast. Last evaluated: 2024-05-21. Review status: criteria provided, single submitter. Criteria: Myriad Autosomal Dominant, Autosomal Recessive and X-Linked Classification Criteria (2023). Collection method: clinical testing. Allele origin: unknown.
Comment: This variant is considered likely benign. This variant is intronic and is not expected to impact mRNA splicing.

Labcorp Genetics (formerly Invitae), Labcorp
Classification: Likely benign for Ataxia-telangiectasia syndrome. Last evaluated: 2024-01-18. Review status: criteria provided, single submitter. Criteria: Invitae Variant Classification Sherloc (09022015). Collection method: clinical testing. Allele origin: germline.

NM_000051.4(ATM):c.5006-17A>T

Gene: ATM (ATM serine/threonine kinase; plus strand). Cytogenetic location: 11q22.3.
Variant type: single nucleotide variant.
Coding change: c.5006-17A>T on transcript NM_000051.4 (MANE Select); 17 bases into the intron before coding-DNA position 5006, A replaced by T.
Molecular consequence: intron variant.
Genome position (GRCh38, 1-based): chr11:108,299,697, A>T. VCF-style: chr11-108299697-A-T. GRCh37 (hg19) VCF-style: chr11-108170424-A-T.
Other names: c.5006-17A>T (NM_001351834.2).
Identifiers: ClinVar variation 2710147 (VCV002710147.4), dbSNP rs2135887361, ClinGen allele CA2697558860.